The following is an entry in ClinVar:

NM_014140.4(SMARCAL1):c.763A>G (p.Asn255Asp)

Gene: SMARCAL1 (SNF2 related chromatin remodeling annealing helicase 1; plus strand). Cytogenetic location: 2q35.
Variant type: single nucleotide variant.
Coding change: c.763A>G on transcript NM_014140.4 (MANE Select); coding-DNA position 763, A replaced by G.
Protein change: p.Asn255Asp; replaces asparagine 255 with aspartic acid.
Molecular consequence: missense variant.
Genome position (GRCh38, 1-based): chr2:216,415,467, A>G. VCF-style: chr2-216415467-A-G. GRCh37 (hg19) VCF-style: chr2-217280190-A-G.
Other names: c.763A>G, p.Asn255Asp (NM_001127207.2); short protein forms N255D.
Identifiers: ClinVar variation 1484632 (VCV001484632.5), dbSNP rs2106015300, ClinGen allele CA350497998.

ClinVar aggregate classification (germline): Uncertain significance (1 of 4 stars; one submission).

Conditions:
Schimke immuno-osseous dysplasia (SIOD). Also called: Schimke Immunoosseous Dysplasia. Identifiers: Orphanet 1830, MedGen C0877024, MONDO:0009458, OMIM 242900.

Allele frequency attached by ClinVar (database versions not stated): gnomAD exomes below 0.00001.
gnomAD v4.1: 2 of 1,614,180 alleles (0.00012%); highest among the groups gnomAD compares: East Asian, 0.0045%; no homozygotes.

Submission:

Labcorp Genetics (formerly Invitae), Labcorp
Classification: Uncertain significance for Schimke immuno-osseous dysplasia. Last evaluated: 2022-07-17. Review status: criteria provided, single submitter. Criteria: Invitae Variant Classification Sherloc (09022015). Collection method: clinical testing. Allele origin: germline.
Comment: This sequence change replaces asparagine, which is neutral and polar, with aspartic acid, which is acidic and polar, at codon 255 of the SMARCAL1 protein (p.Asn255Asp). This variant is not present in population databases (gnomAD no frequency). This variant has not been reported in the literature in individuals affected with SMARCAL1-related conditions. ClinVar contains an entry for this variant (Variation ID: 1484632). Algorithms developed to predict the effect of missense changes on protein structure and function output the following: SIFT: "Tolerated"; PolyPhen-2: "Benign"; Align-GVGD: "Class C0". The aspartic acid amino acid residue is found in multiple mammalian species, which suggests that this missense change does not adversely affect protein function. In summary, the available evidence is currently insufficient to determine the role of this variant in disease. Therefore, it has been classified as a Variant of Uncertain Significance.